The following is an entry in ClinVar:

NM_004415.4(DSP):c.4099G>A (p.Glu1367Lys)

Gene: DSP (desmoplakin; plus strand). Cytogenetic location: 6p24.3.
Variant type: single nucleotide variant.
Coding change: c.4099G>A on transcript NM_004415.4 (MANE Select); coding-DNA position 4099, G replaced by A.
Protein change: p.Glu1367Lys; replaces glutamic acid 1367 with lysine.
Molecular consequence: missense variant. On other transcripts: intron variant (2).
Genome position (GRCh38, 1-based): chr6:7,580,289, G>A. VCF-style: chr6-7580289-G-A. GRCh37 (hg19) VCF-style: chr6-7580522-G-A.
Other names: c.4050+49G>A (NM_001319034.2); c.3582+517G>A (NM_001008844.3); short protein forms E1367K.
Identifiers: ClinVar variation 1024166 (VCV001024166.10), dbSNP rs1759383897, ClinGen allele CA362685555.

ClinVar aggregate classification (germline): Uncertain significance. Review status: criteria provided, multiple submitters, no conflicts (2 of 4 stars). 2 submissions from 2 submitters: Uncertain significance (2). Last evaluated 2025-12-09.

Conditions:
Arrhythmogenic cardiomyopathy with wooly hair and keratoderma. Also called: Dilated cardiomyopathy with woolly hair and keratoderma; PALMOPLANTAR KERATODERMA WITH LEFT VENTRICULAR CARDIOMYOPATHY AND WOOLLY HAIR; Arrhythmogenic cardiomyopathy with woolly hair and keratoderma; Carvajal syndrome. Identifiers: Orphanet 65282, MedGen C1854063, MONDO:0011581, OMIM 605676.
Arrhythmogenic right ventricular dysplasia 8 (ARVD8). Also called: Arrhythmogenic Right Ventricular Dysplasia/Cardiomyopathy 8; ARRHYTHMOGENIC RIGHT VENTRICULAR DYSPLASIA, FAMILIAL, 8; ARRHYTHMOGENIC RIGHT VENTRICULAR CARDIOMYOPATHY 8. Identifiers: MedGen C1843896, MONDO:0011831, OMIM 607450.

Submissions (2):

Labcorp Genetics (formerly Invitae), Labcorp
Classification: Uncertain significance for Arrhythmogenic cardiomyopathy with wooly hair and keratoderma; Arrhythmogenic right ventricular dysplasia 8. Last evaluated: 2025-12-09. Review status: criteria provided, single submitter. Criteria: Invitae Variant Classification Sherloc (09022015). Collection method: clinical testing. Allele origin: germline.
Comment: This sequence change replaces glutamic acid, which is acidic and polar, with lysine, which is basic and polar, at codon 1367 of the DSP protein (p.Glu1367Lys). This variant is not present in population databases (gnomAD no frequency). This variant has not been reported in the literature in individuals affected with DSP-related conditions. ClinVar contains an entry for this variant (Variation ID: 1024166). An algorithm developed to predict the effect of missense changes on protein structure and function (PolyPhen-2) suggests that this variant is likely to be disruptive. In summary, the available evidence is currently insufficient to determine the role of this variant in disease. Therefore, it has been classified as a Variant of Uncertain Significance.

GeneDx
Classification: Uncertain significance. Last evaluated: 2020-08-14. Review status: criteria provided, single submitter. Criteria: GeneDx Variant Classification Process June 2021. Collection method: clinical testing. Allele origin: germline. Affected: yes.
Comment: Not observed in large population cohorts (Lek et al., 2016); In silico analysis supports that this missense variant does not alter protein structure/function; Has not been previously published as pathogenic or benign to our knowledge